The following is an entry in ClinVar:

ClinVar aggregate classification (germline): Conflicting classifications of pathogenicity. Review status: criteria provided, conflicting classifications (1 of 4 stars). 14 submissions from 14 submitters: Uncertain significance (1); Benign (5); Likely benign (4). 4 of the submissions do not count toward it. Last evaluated 2026-09-01.

Conditions:
Hereditary cancer-predisposing syndrome. Also called: Neoplastic Syndromes, Hereditary; Tumor predisposition; Hereditary neoplastic syndrome; Hereditary Cancer Syndrome. Identifiers: Orphanet 140162, MedGen C0027672, MeSH D009386, MONDO:0015356.
Baller-Gerold syndrome (BGS). Also called: CRANIOSYNOSTOSIS WITH RADIAL DEFECTS. Identifiers: Orphanet 1225, MedGen C0265308, MONDO:0009039, OMIM 218600.

Allele frequency attached by ClinVar (database versions not stated): 1000 Genomes Project 0.00359; gnomAD 0.00371 and 0.00382; 1000 Genomes Project 30x 0.00390; TOPMed 0.00435; ESP Exome Variant Server 0.00459; gnomAD exomes 0.00476 and 0.00544; ExAC 0.00543.
gnomAD v4.1: 8,519 of 1,610,530 alleles (0.53%); highest among the groups gnomAD compares: Middle Eastern, 1.2%; 27 homozygotes.

Submissions (14):

CeGaT Center for Human Genetics Tuebingen
Classification: Likely benign. Last evaluated: 2026-09-01. Review status: criteria provided, single submitter. Criteria: CeGaT Center For Human Genetics Tuebingen Variant Classification Criteria Version 2. Collection method: clinical testing. Allele origin: germline. Affected: yes. Observed: 92 variant alleles.
Comment: RECQL4: BP4, BS2

Labcorp Genetics (formerly Invitae), Labcorp
Classification: Benign for Baller-Gerold syndrome. Last evaluated: 2026-02-03. Review status: criteria provided, single submitter. Criteria: Invitae Variant Classification Sherloc (09022015). Collection method: clinical testing. Allele origin: germline.

Dasa
Classification: Benign. Last evaluated: 2025-12-23. Review status: criteria provided, single submitter. Criteria: DASA Assertion Criteria. Collection method: clinical testing. Allele origin: germline.
Comment: NM_004260.4(RECQL4):c.3314G>A (p.Gly1105Asp) is a missense variant that results in the substitution of glycine with aspartic acid. Population frequency is inconsistent with a disease-causing role for this variant, and observations in unaffected individuals support a benign interpretation. Therefore, based on the currently available evidence, this variant is classified as benign.

Mayo Clinic Laboratories, Mayo Clinic
Classification: Likely benign. Last evaluated: 2025-10-02. Review status: criteria provided, single submitter. Criteria: ACMG Guidelines, 2015. Collection method: clinical testing. Allele origin: germline. Observed: 3 variant alleles.
Comment: BS1, BP4

Blueprint Genetics
Classification: Likely benign. Last evaluated: 2024-11-26. Review status: criteria provided, single submitter. Criteria: ACMG Guidelines, 2015. Collection method: clinical testing. Allele origin: germline.

Institute for Clinical Genetics, University Hospital TU Dresden, University Hospital TU Dresden
Classification: Uncertain significance. Last evaluated: 2021-11-03. Review status: criteria provided, single submitter. Criteria: ACMG Guidelines, 2015. Collection method: clinical testing. Allele origin: germline.

Sema4
Classification: Benign for Hereditary cancer-predisposing syndrome. Last evaluated: 2020-10-30. Review status: criteria provided, single submitter. Criteria: Sema4 Curation Guidelines. Collection method: curation. Allele origin: germline.

GeneDx
Classification: Benign. Last evaluated: 2019-07-02. Review status: criteria provided, single submitter. Criteria: GeneDx Variant Classification Process June 2021. Collection method: clinical testing. Allele origin: germline. Affected: yes.
Comment: This variant is associated with the following publications: (PMID: 24728327, 28202063)

Eurofins Ntd Llc (ga)
Classification: Benign. Last evaluated: 2015-02-04. Review status: criteria provided, single submitter. Criteria: EGL Classification Definitions 2015. Collection method: clinical testing. Allele origin: germline. Observed: 2 variant alleles, 2 heterozygotes.

PreventionGenetics, part of Exact Sciences
Classification: Likely benign. Review status: criteria provided, single submitter. Criteria: ACMG Guidelines, 2015. Collection method: clinical testing. Allele origin: germline.

ITMI
No classification provided. Condition: AllHighlyPenetrant. Last evaluated: 2013-09-19. Review status: no classification provided. Collection method: reference population. Allele origin: germline. Not counted in ClinVar's aggregate classification.
Comment: Please see associated publication for description of ethnicities

Clinical Genetics DNA and cytogenetics Diagnostics Lab, Erasmus MC, Erasmus Medical Center
Classification: Likely benign. Review status: no assertion criteria provided. Collection method: clinical testing. Allele origin: germline. Affected: yes. Study: VKGL Data-share Consensus. Not counted in ClinVar's aggregate classification.

Genome Diagnostics Laboratory, Amsterdam University Medical Center
Classification: Likely benign. Review status: no assertion criteria provided. Collection method: clinical testing. Allele origin: germline. Affected: yes. Study: VKGL Data-share Consensus. Not counted in ClinVar's aggregate classification.

Laboratory of Diagnostic Genome Analysis, Leiden University Medical Center (LUMC)
Classification: Likely benign. Review status: no assertion criteria provided. Collection method: clinical testing. Allele origin: germline. Affected: yes. Study: VKGL Data-share Consensus. Not counted in ClinVar's aggregate classification.

Literature cited by the submitters: PubMed 24728327 (cited by ITMI).

NM_004260.4(RECQL4):c.3314G>A (p.Gly1105Asp)

Gene: RECQL4 (RecQ like helicase 4; minus strand). Cytogenetic location: 8q24.3.
Variant type: single nucleotide variant.
Coding change: c.3314G>A on transcript NM_004260.4 (MANE Select); coding-DNA position 3314, G replaced by A.
Protein change: p.Gly1105Asp; replaces glycine 1105 with aspartic acid.
Molecular consequence: missense variant.
Genome position (GRCh38, 1-based): chr8:144,511,990, C>T on the plus strand (G>A on the coding strand, the complement: RECQL4 is on the minus strand). VCF-style: chr8-144511990-C-T. GRCh37 (hg19) VCF-style: chr8-145737373-C-T.
Other names: p.Gly1105Asp; short protein forms G1105D.
Identifiers: ClinVar variation 135151 (VCV000135151.68), dbSNP rs36078464, ClinGen allele CA161859.